The following is an entry in ClinVar:

ClinVar aggregate classification (germline): Uncertain significance (1 of 4 stars; one submission).

Conditions:
PLXNA4-related disorder. Also called: PLXNA4-related condition.

gnomAD v4.1: 37 of 1,613,998 alleles (0.0023%); highest among the groups gnomAD compares: Non-Finnish European, 0.0029%; no homozygotes.

Submission:

PreventionGenetics, part of Exact Sciences
Classification: Uncertain significance for PLXNA4-related condition. Last evaluated: 2025-09-30. Review status: criteria provided, single submitter. Criteria: ACMG Guidelines, 2015. Collection method: clinical testing. Allele origin: germline.
Comment: The PLXNA4 c.5618A>C variant is predicted to result in the amino acid substitution p.Gln1873Pro. To our knowledge, this variant has not been reported in the literature. This variant is reported in 0.0054% of alleles in individuals of European (Non-Finnish) descent in gnomAD. At this time, the clinical significance of this variant is uncertain due to the absence of conclusive functional and genetic evidence.

NM_020911.2(PLXNA4):c.5618A>C (p.Gln1873Pro)

Gene: PLXNA4 (plexin A4; minus strand). Cytogenetic location: 7q32.3.
Variant type: single nucleotide variant.
Coding change: c.5618A>C on transcript NM_020911.2 (MANE Select); coding-DNA position 5618, A replaced by C.
Protein change: p.Gln1873Pro; replaces glutamine 1873 with proline.
Molecular consequence: missense variant.
Genome position (GRCh38, 1-based): chr7:132,130,546, T>G on the plus strand (A>C on the coding strand, the complement: PLXNA4 is on the minus strand). VCF-style: chr7-132130546-T-G. GRCh37 (hg19) VCF-style: chr7-131815305-T-G.
Other names: c.5618A>C, p.Gln1873Pro (NM_001393897.1); short protein forms Q1873P.
Identifiers: ClinVar variation 4988282 (VCV004988282.1).
Genomic context (GRCh38, chr7:132,130,546, plus strand): 5'-TCTAAGCTCATGAGGGTTATGACTTGTTCTAGTTTGTAGGCCAGTTTCTGCTTCCCACAC[T>G]GGTCATCGTGGTCCAGAGGTCCAAGGATCTGCGGAAGGGCCAAGAACAGGGAGATTACTC-3'
Protein context (NP_065962.1, residues 1863-1883): EILGPLDHDD[Gln1873Pro]CGKQKLAYKL